The following is an entry in ClinVar:

NM_177438.3(DICER1):c.1723del (p.Asp575fs)

Gene: DICER1 (dicer 1, ribonuclease III; minus strand). Cytogenetic location: 14q32.13.
Variant type: Deletion.
Coding change: c.1723del on transcript NM_177438.3 (MANE Select); coding-DNA position 1723, one base deleted (G; older notation c.1723delG).
Protein change: p.Asp575fs; shifts the reading frame from aspartic acid 575.
Molecular consequence: frameshift variant. On other transcripts: non-coding transcript variant (6).
Genome position (GRCh38, 1-based): chr14:95,116,482, C deleted on the plus strand (G on the coding strand, the reverse complement: DICER1 is on the minus strand). VCF-style (leftmost placement, unchanged base first): chr14-95116481-TC-T. GRCh37 (hg19) VCF-style: chr14-95582818-TC-T.
Other names: c.1723del, p.Asp575fs (NM_001195573.1, NM_001271282.3, NM_001291628.2 and 12 more transcripts); c.1441del, p.Asp481fs (NM_001395686.1); c.1318del, p.Asp440fs (NM_001395687.1, NM_001395688.1, NM_001395689.1 and 3 more transcripts); c.1156del, p.Asp386fs (NM_001395691.1); c.40del, p.Asp14fs (NM_001395697.1); short protein forms D440fs, D481fs, D14fs, D386fs, D575fs.
Identifiers: ClinVar variation 3660671 (VCV003660671.2).

ClinVar aggregate classification (germline): Pathogenic (1 of 4 stars; one submission).

Conditions:
DICER1-related tumor predisposition. Also called: DICER1-related pleuropulmonary blastoma cancer predisposition syndrome; DICER1 syndrome. Identifiers: Orphanet 284343, MedGen C3839822, MONDO:0100216.

Submission:

Labcorp Genetics (formerly Invitae), Labcorp
Classification: Pathogenic for DICER1-related tumor predisposition. Last evaluated: 2024-09-29. Review status: criteria provided, single submitter. Criteria: Invitae Variant Classification Sherloc (09022015). Collection method: clinical testing. Allele origin: germline.
Comment: This sequence change creates a premature translational stop signal (p.Asp575Thrfs*12) in the DICER1 gene. It is expected to result in an absent or disrupted protein product. Loss-of-function variants in DICER1 are known to be pathogenic (PMID: 19556464, 21266384). This variant is not present in population databases (gnomAD no frequency). This variant has not been reported in the literature in individuals affected with DICER1-related conditions. For these reasons, this variant has been classified as Pathogenic.

Literature cited by the submitters: PubMed 19556464; PubMed 21266384.